The following is an entry in ClinVar:

ClinVar aggregate classification (germline): Likely benign. Review status: criteria provided, multiple submitters, no conflicts (2 of 4 stars). 3 submissions from 3 submitters: Likely benign (2). 1 of the submissions does not count toward it. Last evaluated 2025-12-15.

Conditions:
RTTN-related disorder. Also called: RTTN-related condition.

Allele frequency attached by ClinVar (database versions not stated): ESP Exome Variant Server 0.00017.
gnomAD v4.1: 119 of 1,613,332 alleles (0.0074%); highest among the groups gnomAD compares: Non-Finnish European, 0.0095%; no homozygotes.

Submissions (3):

Labcorp Genetics (formerly Invitae), Labcorp
Classification: Likely benign. Last evaluated: 2025-12-15. Review status: criteria provided, single submitter. Criteria: Invitae Variant Classification Sherloc (09022015). Collection method: clinical testing. Allele origin: germline.

Blueprint Genetics
Classification: Likely benign. Last evaluated: 2024-11-14. Review status: criteria provided, single submitter. Criteria: ACMG Guidelines, 2015. Collection method: clinical testing. Allele origin: germline.

PreventionGenetics, part of Exact Sciences
Classification: Likely benign for RTTN-related condition. Last evaluated: 2024-08-20. Review status: no assertion criteria provided. Collection method: clinical testing. Allele origin: germline. Not counted in ClinVar's aggregate classification.
Comment: This variant is classified as likely benign based on ACMG/AMP sequence variant interpretation guidelines (Richards et al. 2015 PMID: 25741868, with internal and published modifications).

NM_173630.4(RTTN):c.618C>T (p.Thr206=)

Gene: RTTN (rotatin; minus strand). Cytogenetic location: 18q22.2.
Variant type: single nucleotide variant.
Coding change: c.618C>T on transcript NM_173630.4 (MANE Select); coding-DNA position 618, C replaced by T.
Protein change: p.Thr206=; no amino-acid change (threonine 206 retained).
Molecular consequence: synonymous variant. On other transcripts: 5 prime UTR variant (1).
Genome position (GRCh38, 1-based): chr18:70,197,699, G>A on the plus strand (C>T on the coding strand, the complement: RTTN is on the minus strand). VCF-style: chr18-70197699-G-A. GRCh37 (hg19) VCF-style: chr18-67864935-G-A.
Other names: c.618C>T (NM_173630.3); c.-1936C>T (NM_001318520.2).
Identifiers: ClinVar variation 3000888 (VCV003000888.5), dbSNP rs372049233, ClinGen allele CA8996421.